The following is an entry in ClinVar:

NM_002772.3(TMPRSS15):c.1516C>T (p.Leu506Phe)

Gene: TMPRSS15 (transmembrane serine protease 15; minus strand). Cytogenetic location: 21q21.1.
Variant type: single nucleotide variant.
Coding change: c.1516C>T on transcript NM_002772.3 (MANE Select); coding-DNA position 1516, C replaced by T.
Protein change: p.Leu506Phe; replaces leucine 506 with phenylalanine.
Molecular consequence: missense variant.
Genome position (GRCh38, 1-based): chr21:18,341,461, G>A on the plus strand (C>T on the coding strand, the complement: TMPRSS15 is on the minus strand). VCF-style: chr21-18341461-G-A. GRCh37 (hg19) VCF-style: chr21-19713778-G-A.
Other names: short protein forms L506F.
Identifiers: ClinVar variation 2779527 (VCV002779527.3), dbSNP rs2516694075, ClinGen allele CA409850407.

ClinVar aggregate classification (germline): Uncertain significance (1 of 4 stars; one submission).

Allele frequency attached by ClinVar (database versions not stated): gnomAD exomes below 0.00001.
gnomAD v4.1: 1 of 1,614,142 alleles (0.000062%); highest among the groups gnomAD compares: Non-Finnish European, 0.000085%; no homozygotes.

Submission:

Labcorp Genetics (formerly Invitae), Labcorp
Classification: Uncertain significance. Last evaluated: 2023-08-25. Review status: criteria provided, single submitter. Criteria: Invitae Variant Classification Sherloc (09022015). Collection method: clinical testing. Allele origin: germline.
Comment: In summary, the available evidence is currently insufficient to determine the role of this variant in disease. Therefore, it has been classified as a Variant of Uncertain Significance. An algorithm developed to predict the effect of missense changes on protein structure and function (PolyPhen-2) suggests that this variant is likely to be tolerated. This variant has not been reported in the literature in individuals affected with TMPRSS15-related conditions. This variant is not present in population databases (gnomAD no frequency). This sequence change replaces leucine, which is neutral and non-polar, with phenylalanine, which is neutral and non-polar, at codon 506 of the TMPRSS15 protein (p.Leu506Phe).